The following is an entry in ClinVar:

ClinVar aggregate classification (germline): Conflicting classifications of pathogenicity. Review status: criteria provided, conflicting classifications (1 of 4 stars). 10 submissions from 10 submitters: Uncertain significance (1); Benign (1); Likely benign (7). 1 of the submissions does not count toward it. Last evaluated 2026-01-26.

Conditions:
MYLK-related disorder. Also called: MYLK-related condition.
Familial thoracic aortic aneurysm and aortic dissection (TAAD). Also called: Thoracic aortic aneurysms and dissections. Identifiers: Orphanet 91387, MedGen C4707243, MONDO:0019625.
Aortic aneurysm, familial thoracic 7 (AAT7). Also called: AORTIC DISSECTION, FAMILIAL, WITH OR WITHOUT AORTIC ANEURYSM. Identifiers: MedGen C3151077, MONDO:0013418, OMIM 613780.

Allele frequency attached by ClinVar (database versions not stated): gnomAD 0.00014 and 0.00016; ESP Exome Variant Server 0.00015; ExAC 0.00016; TOPMed 0.00017; gnomAD exomes 0.00018 and 0.00021; 1000 Genomes Project 0.00020; 1000 Genomes Project 30x 0.00031.
gnomAD v4.1: 338 of 1,614,104 alleles (0.021%); highest among the groups gnomAD compares: Middle Eastern, 0.12%; no homozygotes.

Submissions (10):

Labcorp Genetics (formerly Invitae), Labcorp
Classification: Likely benign for Aortic aneurysm, familial thoracic 7. Last evaluated: 2026-01-26. Review status: criteria provided, single submitter. Criteria: Invitae Variant Classification Sherloc (09022015). Collection method: clinical testing. Allele origin: germline.

Blueprint Genetics
Classification: Likely benign. Last evaluated: 2024-11-06. Review status: criteria provided, single submitter. Criteria: ACMG Guidelines, 2015. Collection method: clinical testing. Allele origin: germline.

Mayo Clinic Laboratories, Mayo Clinic
Classification: Likely benign. Last evaluated: 2024-10-16. Review status: criteria provided, single submitter. Criteria: ACMG Guidelines, 2015. Collection method: clinical testing. Allele origin: germline. Observed: 1 variant allele.
Comment: BP4, BP7

Women's Health and Genetics/Laboratory Corporation of America, LabCorp
Classification: Benign. Last evaluated: 2020-11-14. Review status: criteria provided, single submitter. Criteria: LabCorp Variant Classification Summary - May 2015. Collection method: clinical testing. Allele origin: germline.

GeneDx
Classification: Likely benign. Last evaluated: 2020-09-11. Review status: criteria provided, single submitter. Criteria: GeneDx Variant Classification Process June 2021. Collection method: clinical testing. Allele origin: germline. Affected: yes.

CHEO Genetics Diagnostic Laboratory, Children's Hospital of Eastern Ontario
Classification: Likely benign for Familial thoracic aortic aneurysm and aortic dissection. Last evaluated: 2020-06-19. Review status: criteria provided, single submitter. Criteria: ACMG Guidelines, 2015. Collection method: clinical testing. Allele origin: germline.

CeGaT Center for Human Genetics Tuebingen
Classification: Likely benign. Last evaluated: 2018-05-01. Review status: criteria provided, single submitter. Criteria: CeGaT Center For Human Genetics Tuebingen Variant Classification Criteria Version 2. Collection method: clinical testing. Allele origin: germline. Affected: yes. Observed: 1 variant allele.

Illumina Laboratory Services, Illumina
Classification: Uncertain significance for Aortic aneurysm, familial thoracic 7. Last evaluated: 2018-01-12. Review status: criteria provided, single submitter. Criteria: ICSL Variant Classification Criteria 13 December 2019. Collection method: clinical testing. Allele origin: germline.

Ambry Genetics
Classification: Likely benign for Familial thoracic aortic aneurysm and aortic dissection. Last evaluated: 2017-06-22. Review status: criteria provided, single submitter. Criteria: Ambry Variant Classification Scheme 2023. Collection method: clinical testing. Allele origin: germline.

PreventionGenetics, part of Exact Sciences
Classification: Likely benign for MYLK-related condition. Last evaluated: 2021-04-27. Review status: no assertion criteria provided. Collection method: clinical testing. Allele origin: germline. Not counted in ClinVar's aggregate classification.
Comment: This variant is classified as likely benign based on ACMG/AMP sequence variant interpretation guidelines (Richards et al. 2015 PMID: 25741868, with internal and published modifications).

NM_053025.4(MYLK):c.3438C>T (p.Leu1146=)

Gene: MYLK (myosin light chain kinase; minus strand). Cytogenetic location: 3q21.1.
Variant type: single nucleotide variant.
Coding change: c.3438C>T on transcript NM_053025.4 (MANE Select); coding-DNA position 3438, C replaced by T.
Protein change: p.Leu1146=; no amino-acid change (leucine 1146 retained).
Molecular consequence: synonymous variant.
Genome position (GRCh38, 1-based): chr3:123,700,030, G>A on the plus strand (C>T on the coding strand, the complement: MYLK is on the minus strand). VCF-style: chr3-123700030-G-A. GRCh37 (hg19) VCF-style: chr3-123418877-G-A.
Other names: p.Leu1146=; c.2910C>T, p.Leu970= (NM_001321309.2); c.3231C>T, p.Leu1077= (NM_053026.4, NM_053028.4); c.3438C>T, p.Leu1146= (NM_053027.4).
Identifiers: ClinVar variation 220791 (VCV000220791.65), dbSNP rs146320279, ClinGen allele CA069645.